The following is an entry in ClinVar:

NM_000404.4(GLB1):c.1032T>C (p.Thr344=)

Gene: GLB1 (galactosidase beta 1; minus strand). Cytogenetic location: 3p22.3.
Variant type: single nucleotide variant.
Coding change: c.1032T>C on transcript NM_000404.4 (MANE Select); coding-DNA position 1032, T replaced by C.
Protein change: p.Thr344=; no amino-acid change (threonine 344 retained).
Molecular consequence: synonymous variant.
Genome position (GRCh38, 1-based): chr3:33,046,156, A>G on the plus strand (T>C on the coding strand, the complement: GLB1 is on the minus strand). VCF-style: chr3-33046156-A-G. GRCh37 (hg19) VCF-style: chr3-33087648-A-G.
Other names: c.942T>C, p.Thr314= (NM_001079811.3); c.639T>C, p.Thr213= (NM_001135602.3); c.1176T>C, p.Thr392= (NM_001317040.2); c.1032T>C, p.Thr344= (NM_001393580.1); c.1032T>C (NM_000404.3).
Identifiers: ClinVar variation 344792 (VCV000344792.41), dbSNP rs199927127, ClinGen allele CA2299521.

ClinVar aggregate classification (germline): Conflicting classifications of pathogenicity. Review status: criteria provided, conflicting classifications (1 of 4 stars). 6 submissions from 5 submitters: Uncertain significance (2); Benign (1); Likely benign (3). Last evaluated 2026-05-01.

Conditions:
GLB1-related disorder. Also called: GLB1-related disorders. Identifiers: MedGen CN377807.
GM1 gangliosidosis. Identifiers: Orphanet 354, MedGen C0085131, MONDO:0018149.
Mucopolysaccharidosis, MPS-IV-B (MPS4B). Also called: Mucopolysaccharidosis type IVB (Morquio); MPS IVB; Mucopolysaccharidosis type 4B; MORQUIO SYNDROME B; Mucopolysaccharidosis Type IVB; Mucopolysaccharidosis type IV B. Identifiers: Orphanet 309310, Orphanet 582, MedGen C0086652, MONDO:0009660, OMIM 253010.

Allele frequency attached by ClinVar (database versions not stated): 1000 Genomes Project 30x 0.00031; TOPMed 0.00038; 1000 Genomes Project 0.00040; ESP Exome Variant Server 0.00080; gnomAD exomes 0.00132 and 0.00187; gnomAD 0.00136 and 0.00145; ExAC 0.00158.
gnomAD v4.1: 2,115 of 1,613,756 alleles (0.13%); highest among the groups gnomAD compares: Non-Finnish European, 0.1%; 10 homozygotes.

Submissions (6):

CeGaT Center for Human Genetics Tuebingen
Classification: Likely benign. Last evaluated: 2026-05-01. Review status: criteria provided, single submitter. Criteria: CeGaT Center For Human Genetics Tuebingen Variant Classification Criteria Version 2. Collection method: clinical testing. Allele origin: germline. Affected: yes. Observed: 4 variant alleles.
Comment: GLB1: BP4, BP7

Labcorp Genetics (formerly Invitae), Labcorp
Classification: Benign for Mucopolysaccharidosis, MPS-IV-B; GM1 gangliosidosis. Last evaluated: 2025-12-26. Review status: criteria provided, single submitter. Criteria: Invitae Variant Classification Sherloc (09022015). Collection method: clinical testing. Allele origin: germline.

PreventionGenetics, part of Exact Sciences
Classification: Likely benign for GLB1-related condition. Last evaluated: 2025-11-16. Review status: criteria provided, single submitter. Criteria: ACMG Guidelines, 2015. Collection method: clinical testing. Allele origin: germline.
Comment: This variant is classified as likely benign based on ACMG/AMP sequence variant interpretation guidelines (Richards et al. 2015 PMID: 25741868, with internal and published modifications).

Blueprint Genetics
Classification: Likely benign. Last evaluated: 2024-11-25. Review status: criteria provided, single submitter. Criteria: ACMG Guidelines, 2015. Collection method: clinical testing. Allele origin: germline.

Illumina Laboratory Services, Illumina
Classification: Uncertain significance for GM1 gangliosidosis. Last evaluated: 2018-01-13. Review status: criteria provided, single submitter. Criteria: ICSL Variant Classification Criteria 13 December 2019. Collection method: clinical testing. Allele origin: germline.

Illumina Laboratory Services, Illumina
Classification: Uncertain significance for Mucopolysaccharidosis, MPS-IV-B. Last evaluated: 2018-01-13. Review status: criteria provided, single submitter. Criteria: ICSL Variant Classification Criteria 13 December 2019. Collection method: clinical testing. Allele origin: germline.